The following is an entry in ClinVar:

NM_000075.4(CDK4):c.-5T>C

Gene: CDK4 (cyclin dependent kinase 4; minus strand). Cytogenetic location: 12q14.1.
Variant type: single nucleotide variant.
Coding change: c.-5T>C on transcript NM_000075.4 (MANE Select); 5 bases upstream of the start codon, T replaced by C.
Molecular consequence: 5 prime UTR variant.
Genome position (GRCh38, 1-based): chr12:57,751,722, A>G on the plus strand (T>C on the coding strand, the complement: CDK4 is on the minus strand). VCF-style: chr12-57751722-A-G. GRCh37 (hg19) VCF-style: chr12-58145505-A-G.
Identifiers: ClinVar variation 2624832 (VCV002624832.3), dbSNP rs2140388839, ClinGen allele CA2582341789.
Genomic context (GRCh38, chr12:57,751,722, plus strand): 5'-GTCCCATAGGCACCGACACCAATTTCAGCCACTGGCTCATATCGAGAGGTAGCCATTCTC[A>G]GATCAAGGGAGACCCTACAATCACAGACTCCTATCACCAAAAGTCGCTTACAGAGTTAGG-3'

ClinVar aggregate classification (germline): Uncertain significance (1 of 4 stars; one submission).

Conditions:
Hereditary cancer-predisposing syndrome. Also called: Tumor predisposition; Hereditary Cancer Syndrome; Hereditary neoplastic syndrome; Neoplastic Syndromes, Hereditary. Identifiers: Orphanet 140162, MedGen C0027672, MeSH D009386, MONDO:0015356.

Allele frequency attached by ClinVar (database versions not stated): gnomAD exomes below 0.00001.
gnomAD v4.1: 1 of 1,613,708 alleles (0.000062%); highest among the groups gnomAD compares: African/African-American, 0.0013%; no homozygotes.

Submission:

Ambry Genetics
Classification: Uncertain significance for Hereditary cancer-predisposing syndrome. Last evaluated: 2025-12-02. Review status: criteria provided, single submitter. Criteria: Ambry Variant Classification Scheme 2023. Collection method: clinical testing. Allele origin: germline.
Comment: The c.-5T>C variant is located in the 5' untranslated region (5&rsquo; UTR) of the CDK4 gene. This variant results from a T to C substitution 5 bases upstream from the first translated codon. This nucleotide position is not well conserved in available vertebrate species. Based on the available evidence, the clinical significance of this variant remains unclear.